The following is an entry in ClinVar:

ClinVar aggregate classification (germline): Uncertain significance (1 of 4 stars; one submission).

Conditions:
Spastic paraplegia. Identifiers: MedGen C0037772, HP:0001258.

Submission:

Labcorp Genetics (formerly Invitae), Labcorp
Classification: Uncertain significance for Spastic paraplegia. Last evaluated: 2024-01-06. Review status: criteria provided, single submitter. Criteria: Invitae Variant Classification Sherloc (09022015). Collection method: clinical testing. Allele origin: germline.
Comment: This sequence change replaces arginine, which is basic and polar, with glutamine, which is neutral and polar, at codon 90 of the SLC16A2 protein (p.Arg90Gln). This variant is present in population databases (no rsID available, gnomAD 0.0006%). This variant has not been reported in the literature in individuals affected with SLC16A2-related conditions. An algorithm developed to predict the effect of missense changes on protein structure and function (PolyPhen-2) suggests that this variant is likely to be tolerated. In summary, the available evidence is currently insufficient to determine the role of this variant in disease. Therefore, it has been classified as a Variant of Uncertain Significance.

NM_006517.5(SLC16A2):c.269_270delinsAA (p.Arg90Gln)

Gene: SLC16A2 (solute carrier family 16 member 2; plus strand). Cytogenetic location: Xq13.2.
Variant type: Indel.
Coding change: c.269_270delinsAA on transcript NM_006517.5 (MANE Select); coding-DNA positions 269 to 270, GC replaced by AA.
Protein change: p.Arg90Gln; replaces arginine 90 with glutamine.
Molecular consequence: missense variant.
Genome position (GRCh38, 1-based): chrX:74,421,906-74,421,907, GC replaced by AA. VCF-style: chrX-74421906-GC-AA. GRCh37 (hg19) VCF-style: chrX-73641741-GC-AA.
Other names: short protein forms R90Q.
Identifiers: ClinVar variation 2958175 (VCV002958175.3), dbSNP rs2519759499, ClinGen allele CA2740092201.